The following is an entry in ClinVar:

NM_001009944.3(PKD1):c.8017-9T>C

Gene: PKD1 (polycystin 1, transient receptor potential channel interacting; minus strand). Cytogenetic location: 16p13.3.
Variant type: single nucleotide variant.
Coding change: c.8017-9T>C on transcript NM_001009944.3 (MANE Select); 9 bases into the intron before coding-DNA position 8017, T replaced by C.
Molecular consequence: intron variant.
Genome position (GRCh38, 1-based): chr16:2,104,651, A>G on the plus strand (T>C on the coding strand, the complement: PKD1 is on the minus strand). VCF-style: chr16-2104651-A-G. GRCh37 (hg19) VCF-style: chr16-2154652-A-G.
Other names: c.8017-9T>C (NM_000296.4).
Identifiers: ClinVar variation 5005525 (VCV005005525.2).

ClinVar aggregate classification (germline): Uncertain significance (1 of 4 stars; one submission).

Conditions:
Polycystic kidney disease, adult type (PKD1). Also called: POLYCYSTIC KIDNEY DISEASE, ADULT, TYPE I; Polycystic Kidney, Autosomal Dominant; Polycystic Kidney Disease 1, Autosomal Dominant; Polycystic kidney disease 1; Polycystic kidney disease 1, severe; POLYCYSTIC KIDNEY DISEASE 1 WITH OR WITHOUT POLYCYSTIC LIVER DISEASE. Identifiers: MedGen C3149841, MONDO:0008263, OMIM 173900.

Submission:

Juno Genomics, Hangzhou Juno Genomics, Inc
Classification: Uncertain significance for Polycystic kidney disease, adult type. Review status: criteria provided, single submitter. Criteria: ACMG Guidelines, 2015. Collection method: clinical testing. Allele origin: germline.
Comment: Absent from controls (or at extremely low frequency if recessive) in Genome Aggregation Database.;Multiple lines of computational evidence suggest no impact on gene or gene product.